The following is an entry in ClinVar:

ClinVar aggregate classification (germline): Uncertain significance (1 of 4 stars; one submission).

Conditions:
Inborn genetic diseases. Identifiers: MedGen C0950123, MeSH D030342.

Submission:

Ambry Genetics
Classification: Uncertain significance for Inborn genetic diseases. Last evaluated: 2026-06-09. Review status: criteria provided, single submitter. Criteria: Ambry Variant Classification Scheme 2023. Collection method: clinical testing. Allele origin: germline.
Comment: The p.Q110P variant (also known as c.329A>C), located in coding exon 4 of the FANCG gene, results from an A to C substitution at nucleotide position 329. The glutamine at codon 110 is replaced by proline, an amino acid with similar properties. This amino acid position is conserved. In addition, this alteration is predicted to be tolerated by in silico analysis. Based on the available evidence, the clinical significance of this variant remains unclear.

NM_004629.2(FANCG):c.329A>C (p.Gln110Pro)

Gene: FANCG (FA complementation group G; minus strand). Cytogenetic location: 9p13.3.
Variant type: single nucleotide variant.
Coding change: c.329A>C on transcript NM_004629.2 (MANE Select); coding-DNA position 329, A replaced by C.
Protein change: p.Gln110Pro; replaces glutamine 110 with proline.
Molecular consequence: missense variant.
Genome position (GRCh38, 1-based): chr9:35,078,322, T>G on the plus strand (A>C on the coding strand, the complement: FANCG is on the minus strand). VCF-style: chr9-35078322-T-G. GRCh37 (hg19) VCF-style: chr9-35078319-T-G.
Other names: short protein forms Q110P.
Identifiers: ClinVar variation 4871020 (VCV004871020.1).
Genomic context (GRCh38, chr9:35,078,322, plus strand): 5'-CAGGAAGCACGAAGGACAGAGTCCCACAGCTCCCTGAGCCCCTGTTCCAACCTGGGCCCC[T>G]GCTGCTCCTGTGTCTCCAGCACTGTAGAGTATACACACACACATAGACACACACACAGCT-3'
Protein context (NP_004620.1, residues 100-120): LERVLETQEQ[Gln110Pro]GPRLEQGLRE